The following is an entry in ClinVar:

NM_015378.4(VPS13D):c.252C>G (p.Ser84Arg)

Gene: VPS13D (vacuolar protein sorting 13 homolog D; plus strand). Cytogenetic location: 1p36.22.
Variant type: single nucleotide variant.
Coding change: c.252C>G on transcript NM_015378.4 (MANE Select); coding-DNA position 252, C replaced by G.
Protein change: p.Ser84Arg; replaces serine 84 with arginine.
Molecular consequence: missense variant.
Genome position (GRCh38, 1-based): chr1:12,244,322, C>G. VCF-style: chr1-12244322-C-G. GRCh37 (hg19) VCF-style: chr1-12304379-C-G.
Other names: c.252C>G, p.Ser84Arg (NM_018156.4); c.252C>G (NM_015378.2); short protein forms S84R.
Identifiers: ClinVar variation 2418460 (VCV002418460.4), dbSNP rs747997002, ClinGen allele CA601157.

ClinVar aggregate classification (germline): Uncertain significance. Review status: criteria provided, multiple submitters, no conflicts (2 of 4 stars). 2 submissions from 2 submitters: Uncertain significance (2). Last evaluated 2025-06-12.

Conditions:
Inborn genetic diseases. Identifiers: MedGen C0950123, MeSH D030342.

Allele frequency attached by ClinVar (database versions not stated): gnomAD 0.00003; gnomAD exomes 0.00005; TOPMed 0.00005; ExAC 0.00008.
gnomAD v4.1: 32 of 1,614,014 alleles (0.002%); highest among the groups gnomAD compares: Admixed American, 0.052%; no homozygotes.

Submissions (2):

Ambry Genetics
Classification: Uncertain significance for Inborn genetic diseases. Last evaluated: 2025-06-12. Review status: criteria provided, single submitter. Criteria: Ambry Variant Classification Scheme 2023. Collection method: clinical testing. Allele origin: germline.

Labcorp Genetics (formerly Invitae), Labcorp
Classification: Uncertain significance. Last evaluated: 2022-08-22. Review status: criteria provided, single submitter. Criteria: Invitae Variant Classification Sherloc (09022015). Collection method: clinical testing. Allele origin: germline.
Comment: This sequence change replaces serine, which is neutral and polar, with arginine, which is basic and polar, at codon 84 of the VPS13D protein (p.Ser84Arg). This variant is present in population databases (rs747997002, gnomAD 0.07%). This variant has not been reported in the literature in individuals affected with VPS13D-related conditions. Algorithms developed to predict the effect of missense changes on protein structure and function (SIFT, PolyPhen-2, Align-GVGD) all suggest that this variant is likely to be tolerated. In summary, the available evidence is currently insufficient to determine the role of this variant in disease. Therefore, it has been classified as a Variant of Uncertain Significance.